The following is an entry in ClinVar:

ClinVar aggregate classification (germline): Uncertain significance (1 of 4 stars; one submission).

Allele frequency attached by ClinVar (database versions not stated): ExAC 0.00001; gnomAD 0.00001; gnomAD exomes 0.00001; TOPMed 0.00001.
gnomAD v4.1: 19 of 1,603,828 alleles (0.0012%); highest among the groups gnomAD compares: Admixed American, 0.0017%; no homozygotes.

Submission:

Labcorp Genetics (formerly Invitae), Labcorp
Classification: Uncertain significance. Last evaluated: 2023-08-17. Review status: criteria provided, single submitter. Criteria: Invitae Variant Classification Sherloc (09022015). Collection method: clinical testing. Allele origin: germline.
Comment: This sequence change replaces histidine, which is basic and polar, with aspartic acid, which is acidic and polar, at codon 694 of the MERTK protein (p.His694Asp). This variant is present in population databases (rs768035521, gnomAD 0.002%). This variant has not been reported in the literature in individuals affected with MERTK-related conditions. ClinVar contains an entry for this variant (Variation ID: 1494401). An algorithm developed to predict the effect of missense changes on protein structure and function (PolyPhen-2) suggests that this variant¬†is likely to be tolerated. Algorithms developed to predict the effect of sequence changes on RNA splicing suggest that this variant may disrupt the consensus splice site. In summary, the available evidence is currently insufficient to determine the role of this variant in disease. Therefore, it has been classified as a Variant of Uncertain Significance.

NM_006343.3(MERTK):c.2080C>G (p.His694Asp)

Gene: MERTK (MER proto-oncogene, tyrosine kinase; plus strand). Cytogenetic location: 2q13.
Variant type: single nucleotide variant.
Coding change: c.2080C>G on transcript NM_006343.3 (MANE Select); coding-DNA position 2080, C replaced by G.
Protein change: p.His694Asp; replaces histidine 694 with aspartic acid.
Molecular consequence: missense variant.
Genome position (GRCh38, 1-based): chr2:112,019,413, C>G. VCF-style: chr2-112019413-C-G. GRCh37 (hg19) VCF-style: chr2-112776990-C-G.
Other names: short protein forms H694D.
Identifiers: ClinVar variation 1494401 (VCV001494401.6), dbSNP rs768035521, ClinGen allele CA1831713.